The following is an entry in ClinVar:

NM_001374828.1(ARID1B):c.6232T>A (p.Leu2078Met)

Gene: ARID1B (AT-rich interaction domain 1B; plus strand). Cytogenetic location: 6q25.3.
Variant type: single nucleotide variant.
Coding change: c.6232T>A on transcript NM_001374828.1 (MANE Select); coding-DNA position 6232, T replaced by A.
Protein change: p.Leu2078Met; replaces leucine 2078 with methionine.
Molecular consequence: missense variant.
Genome position (GRCh38, 1-based): chr6:157,207,004, T>A. VCF-style: chr6-157207004-T-A. GRCh37 (hg19) VCF-style: chr6-157528138-T-A.
Other names: c.3733T>A, p.Leu1245Met (NM_001363725.2); c.6112T>A, p.Leu2038Met (NM_001371656.1, NM_001374820.1); c.6073T>A, p.Leu2025Met (NM_017519.3); short protein forms L2038M, L1245M, L2025M, L2078M.
Identifiers: ClinVar variation 3635341 (VCV003635341.2).

ClinVar aggregate classification (germline): Uncertain significance (1 of 4 stars; one submission).

Submission:

Labcorp Genetics (formerly Invitae), Labcorp
Classification: Uncertain significance. Last evaluated: 2024-05-14. Review status: criteria provided, single submitter. Criteria: Invitae Variant Classification Sherloc (09022015). Collection method: clinical testing. Allele origin: germline.
Comment: This sequence change replaces leucine, which is neutral and non-polar, with methionine, which is neutral and non-polar, at codon 1955 of the ARID1B protein (p.Leu1955Met). This variant is not present in population databases (gnomAD no frequency). This variant has not been reported in the literature in individuals affected with ARID1B-related conditions. Advanced modeling of protein sequence and biophysical properties (such as structural, functional, and spatial information, amino acid conservation, physicochemical variation, residue mobility, and thermodynamic stability) has been performed at Invitae for this missense variant, however the output from this modeling did not meet the statistical confidence thresholds required to predict the impact of this variant on ARID1B protein function. In summary, the available evidence is currently insufficient to determine the role of this variant in disease. Therefore, it has been classified as a Variant of Uncertain Significance.